The following is an entry in ClinVar:

NM_002769.5(PRSS1):c.301A>G (p.Arg101Gly)

Genes: PRSS1 (serine protease 1; plus strand), TRB (T cell receptor beta locus; plus strand). Cytogenetic location: 7q34.
Variant type: single nucleotide variant.
Coding change: c.301A>G on transcript NM_002769.5 (MANE Select); coding-DNA position 301, A replaced by G.
Protein change: p.Arg101Gly; replaces arginine 101 with glycine.
Molecular consequence: missense variant. On other transcripts: non-coding transcript variant (4).
Genome position (GRCh38, 1-based): chr7:142,751,874, A>G. VCF-style: chr7-142751874-A-G. GRCh37 (hg19) VCF-style: chr7-142459725-A-G.
Other names: short protein forms R101G.
Identifiers: ClinVar variation 3426311 (VCV003426311.1).

ClinVar aggregate classification (germline): Uncertain significance (1 of 4 stars; one submission).

Conditions:
Hereditary pancreatitis (PCTT). Also called: Hereditary chronic pancreatitis; PRSS1-Related Hereditary Pancreatitis. Identifiers: Orphanet 676, MedGen C0238339, MONDO:0008185, OMIM 167800.

Submission:

Ambry Genetics
Classification: Uncertain significance for Hereditary pancreatitis. Last evaluated: 2024-08-01. Review status: criteria provided, single submitter. Criteria: Ambry Variant Classification Scheme 2023. Collection method: clinical testing. Allele origin: germline.
Comment: The p.R101G variant (also known as c.301A>G), located in coding exon 3 of the PRSS1 gene, results from an A to G substitution at nucleotide position 301. The arginine at codon 101 is replaced by glycine, an amino acid with dissimilar properties. This amino acid position is conserved. In addition, this alteration is predicted to be tolerated by in silico analysis. Based on the available evidence, the clinical significance of this variant remains unclear.